The following is an entry in ClinVar:

ClinVar aggregate classification (germline): Conflicting classifications of pathogenicity. Review status: criteria provided, conflicting classifications (1 of 4 stars). 2 submissions from 2 submitters: Uncertain significance (1); Likely benign (1). Last evaluated 2023-07-27.

Conditions:
Developmental and epileptic encephalopathy, 14 (DEE14). Also called: Early infantile epileptic encephalopathy 14. Identifiers: Orphanet 293181, MedGen C3554195, MONDO:0013989, OMIM 614959.
Autosomal dominant nocturnal frontal lobe epilepsy 5. Also called: KCNT1-Related Epilepsy; CILIARY DYSKINESIA, PRIMARY, 28, WITHOUT SITUS INVERSUS; CILIARY DYSKINESIA, PRIMARY, 28, WITH SITUS INVERSUS; Epilepsy, nocturnal frontal lobe, 5. Identifiers: Orphanet 98784, MedGen C3554306, MONDO:0014002, OMIM 615005.

Allele frequency attached by ClinVar (database versions not stated): gnomAD exomes below 0.00001; ExAC 0.00001; gnomAD 0.00001; TOPMed 0.00005.
gnomAD v4.1: 6 of 1,610,058 alleles (0.00037%); highest among the groups gnomAD compares: African/African-American, 0.008%; no homozygotes.

Submissions (2):

Labcorp Genetics (formerly Invitae), Labcorp
Classification: Likely benign for Autosomal dominant nocturnal frontal lobe epilepsy 5; Developmental and epileptic encephalopathy, 14. Last evaluated: 2023-07-27. Review status: criteria provided, single submitter. Criteria: Invitae Variant Classification Sherloc (09022015). Collection method: clinical testing. Allele origin: germline.

GeneDx
Classification: Uncertain significance. Last evaluated: 2019-04-11. Review status: criteria provided, single submitter. Criteria: GeneDx Variant Classification Process June 2021. Collection method: clinical testing. Allele origin: germline. Affected: yes.
Comment: In silico analysis, which includes protein predictors and evolutionary conservation, supports that this variant does not alter protein structure/function; Has not been previously published as pathogenic or benign to our knowledge

NM_020822.3(KCNT1):c.41G>C (p.Cys14Ser)

Gene: KCNT1 (potassium sodium-activated channel subfamily T member 1; plus strand). Cytogenetic location: 9q34.3.
Variant type: single nucleotide variant.
Coding change: c.41G>C on transcript NM_020822.3 (MANE Select); coding-DNA position 41, G replaced by C.
Protein change: p.Cys14Ser; replaces cysteine 14 with serine.
Molecular consequence: missense variant.
Genome position (GRCh38, 1-based): chr9:135,702,299, G>C. VCF-style: chr9-135702299-G-C. GRCh37 (hg19) VCF-style: chr9-138594145-G-C.
Other names: c.41G>C, p.Cys14Ser (NM_001272003.2); short protein forms C14S.
Identifiers: ClinVar variation 1305092 (VCV001305092.6), dbSNP rs750374521, ClinGen allele CA5326229.
Genomic context (GRCh38, chr9:135,702,299, plus strand): 5'-GGTCCGAGCTGCCAGGCCGCATGCCACTCCCTGACGGGGCGCGGACCCCGGGGGGCGTCT[G>C]CCGGGAGGCGCGCGGCGGGGGCTACACCAACCGGACCTTCGAGTTTGACGACGGCCAATG-3'
Protein context (NP_065873.2, residues 4-24): PDGARTPGGV[Cys14Ser]REARGGGYTN